The following is an entry in ClinVar:

ClinVar aggregate classification (germline): Uncertain significance (1 of 4 stars; one submission).

Submission:

GeneDx
Classification: Uncertain significance. Last evaluated: 2024-04-30. Review status: criteria provided, single submitter. Criteria: GeneDx Variant Classification Process June 2021. Collection method: clinical testing. Allele origin: germline. Affected: yes.
Comment: Not observed at significant frequency in large population cohorts (gnomAD); In silico analysis supports that this missense variant has a deleterious effect on protein structure/function; Has not been previously published as pathogenic or benign to our knowledge

NM_006946.4(SPTBN2):c.67A>G (p.Asn23Asp)

Gene: SPTBN2 (spectrin beta, non-erythrocytic 2; minus strand). Cytogenetic location: 11q13.2.
Variant type: single nucleotide variant.
Coding change: c.67A>G on transcript NM_006946.4 (MANE Select); coding-DNA position 67, A replaced by G.
Protein change: p.Asn23Asp; replaces asparagine 23 with aspartic acid.
Molecular consequence: missense variant.
Genome position (GRCh38, 1-based): chr11:66,721,174, T>C on the plus strand (A>G on the coding strand, the complement: SPTBN2 is on the minus strand). VCF-style: chr11-66721174-T-C. GRCh37 (hg19) VCF-style: chr11-66488645-T-C.
Other names: short protein forms N23D.
Identifiers: ClinVar variation 3373326 (VCV003373326.1).